The following is an entry in ClinVar:

NM_033026.6(PCLO):c.14865del (p.Tyr4956fs)

Genes: PCLO (piccolo presynaptic cytomatrix protein; minus strand), LOC126860089 (MED14-independent group 3 enhancer GRCh37_chr7:82434470-82435669; plus strand). Cytogenetic location: 7q21.11.
Variant type: Deletion.
Coding change: c.14865del on transcript NM_033026.6 (MANE Select); coding-DNA position 14865, one base deleted (G; older notation c.14865delG).
Protein change: p.Tyr4956fs; shifts the reading frame from tyrosine 4956.
Molecular consequence: frameshift variant.
Genome position (GRCh38, 1-based): chr7:82,805,756, C deleted on the plus strand (G on the coding strand, the reverse complement: PCLO is on the minus strand); the first of 3 consecutive C bases (chr7:82,805,756-82,805,758); deleting any one gives the same sequence. VCF-style (leftmost placement, unchanged base first): chr7-82805755-AC-A. GRCh37 (hg19) VCF-style: chr7-82435071-AC-A.
Other names: short protein forms Y4956fs.
Identifiers: ClinVar variation 1457921 (VCV001457921.6), dbSNP rs2129468825, ClinGen allele CA2573142427.

ClinVar aggregate classification (germline): Pathogenic (1 of 4 stars; one submission).

Submission:

Labcorp Genetics (formerly Invitae), Labcorp
Classification: Pathogenic. Last evaluated: 2021-12-03. Review status: criteria provided, single submitter. Criteria: Invitae Variant Classification Sherloc (09022015). Collection method: clinical testing. Allele origin: germline.
Comment: Algorithms developed to predict the effect of sequence changes on RNA splicing suggest that this variant may create or strengthen a splice site. For these reasons, this variant has been classified as Pathogenic. This sequence change creates a premature translational stop signal (p.Tyr4956Ilefs*23) in the PCLO gene. It is expected to result in an absent or disrupted protein product. Loss-of-function variants in PCLO are known to be pathogenic (PMID: 25832664, 30287594). This variant is not present in population databases (gnomAD no frequency). This variant has not been reported in the literature in individuals affected with PCLO-related conditions.

Literature cited by the submitters: PubMed 25832664; PubMed 30287594.